The following is an entry in ClinVar:

NM_003079.5(SMARCE1):c.237+4G>A

Gene: SMARCE1 (SWI/SNF related BAF chromatin remodeling complex subunit E1; minus strand). Cytogenetic location: 17q21.2.
Variant type: single nucleotide variant.
Coding change: c.237+4G>A on transcript NM_003079.5 (MANE Select); 4 bases into the intron after coding-DNA position 237, G replaced by A.
Molecular consequence: intron variant.
Genome position (GRCh38, 1-based): chr17:40,637,488, C>T on the plus strand (G>A on the coding strand, the complement: SMARCE1 is on the minus strand). VCF-style: chr17-40637488-C-T. GRCh37 (hg19) VCF-style: chr17-38793740-C-T.
Identifiers: ClinVar variation 961054 (VCV000961054.8), dbSNP rs2037158242, ClinGen allele CA1139665516.

ClinVar aggregate classification (germline): Uncertain significance. Review status: criteria provided, multiple submitters, no conflicts (2 of 4 stars). 2 submissions from 2 submitters: Uncertain significance (2). Last evaluated 2025-02-19.

Conditions:
Hereditary cancer-predisposing syndrome. Also called: Tumor predisposition; Hereditary neoplastic syndrome; Neoplastic Syndromes, Hereditary; Hereditary Cancer Syndrome. Identifiers: Orphanet 140162, MedGen C0027672, MeSH D009386, MONDO:0015356.
Familial meningioma. Also called: Meningioma, familial, susceptibility to. Identifiers: Orphanet 263662, MedGen C3551915, MONDO:0011789, OMIM 607174.

Allele frequency attached by ClinVar (database versions not stated): gnomAD exomes below 0.00001.
gnomAD v4.1: 3 of 1,611,502 alleles (0.00019%); highest among the groups gnomAD compares: Non-Finnish European, 0.00025%; no homozygotes.

Submissions (2):

Ambry Genetics
Classification: Uncertain significance for Hereditary cancer-predisposing syndrome. Last evaluated: 2025-02-19. Review status: criteria provided, single submitter. Criteria: Ambry Variant Classification Scheme 2023. Collection method: clinical testing. Allele origin: germline.
Comment: The c.237+4G>A intronic variant results from a G to A substitution 4 nucleotides after coding exon 4 in the SMARCE1 gene. This nucleotide position is not well conserved in available vertebrate species. In silico splice site analysis predicts that this alteration will not have any significant effect on splicing. Based on the available evidence, the clinical significance of this variant remains unclear.

Labcorp Genetics (formerly Invitae), Labcorp
Classification: Uncertain significance for Familial meningioma. Last evaluated: 2021-10-18. Review status: criteria provided, single submitter. Criteria: Invitae Variant Classification Sherloc (09022015). Collection method: clinical testing. Allele origin: germline.
Comment: In summary, the available evidence is currently insufficient to determine the role of this variant in disease. Therefore, it has been classified as a Variant of Uncertain Significance. Variants that disrupt the consensus splice site are a relatively common cause of aberrant splicing (PMID: 17576681, 9536098). Algorithms developed to predict the effect of sequence changes on RNA splicing suggest that this variant is not likely to affect RNA splicing. This variant has not been reported in the literature in individuals affected with SMARCE1-related conditions. This variant is not present in population databases (ExAC no frequency). This sequence change falls in intron 5 of the SMARCE1 gene. It does not directly change the encoded amino acid sequence of the SMARCE1 protein. It affects a nucleotide within the consensus splice site of the intron.

Literature cited by the submitters: PubMed 17576681 (cited by Labcorp Genetics (formerly Invitae), Labcorp); PubMed 9536098 (cited by Labcorp Genetics (formerly Invitae), Labcorp).